The following is an entry in ClinVar:

NM_002063.4(GLRA2):c.1128G>A (p.Gly376=)

Genes: FANCB (FA complementation group B; minus strand), GLRA2 (glycine receptor alpha 2; plus strand). Cytogenetic location: Xp22.2.
Variant type: single nucleotide variant.
Coding change: c.1128G>A on transcript NM_002063.4 (MANE Select); coding-DNA position 1128, G replaced by A.
Protein change: p.Gly376=; no amino-acid change (glycine 376 retained).
Molecular consequence: synonymous variant.
Genome position (GRCh38, 1-based): chrX:14,730,254, G>A. VCF-style: chrX-14730254-G-A. GRCh37 (hg19) VCF-style: chrX-14748376-G-A.
Other names: c.1128G>A, p.Gly376= (NM_001118885.2, NM_001118886.2); c.861G>A, p.Gly287= (NM_001171942.2).
Identifiers: ClinVar variation 3051531 (VCV003051531.2), dbSNP rs140244800, ClinGen allele CA10352862.

ClinVar aggregate classification (germline): Likely benign (0 of 4 stars; one submission).

Conditions:
GLRA2-related disorder. Also called: GLRA2-related condition.

Allele frequency attached by ClinVar (database versions not stated): ExAC 0.00017; ESP Exome Variant Server 0.00019; TOPMed 0.00019; gnomAD 0.00020; gnomAD exomes 0.00021; 1000 Genomes Project 0.00026; 1000 Genomes Project 30x 0.00083.
gnomAD v4.1: 260 of 1,197,147 alleles (0.022%); highest among the groups gnomAD compares: Middle Eastern, 0.74%; no homozygotes.

Submission:

PreventionGenetics, part of Exact Sciences
Classification: Likely benign for GLRA2-related condition. Last evaluated: 2019-02-20. Review status: no assertion criteria provided. Collection method: clinical testing. Allele origin: germline.
Comment: This variant is classified as likely benign based on ACMG/AMP sequence variant interpretation guidelines (Richards et al. 2015 PMID: 25741868, with internal and published modifications).